The following is an entry in ClinVar:

ClinVar aggregate classification (germline): Uncertain significance (1 of 4 stars; one submission).

Submission:

Labcorp Genetics (formerly Invitae), Labcorp
Classification: Uncertain significance. Last evaluated: 2025-02-10. Review status: criteria provided, single submitter. Criteria: Invitae Variant Classification Sherloc (09022015). Collection method: clinical testing. Allele origin: germline.
Comment: This sequence change replaces leucine, which is neutral and non-polar, with serine, which is neutral and polar, at codon 93 of the RAP1B protein (p.Leu93Ser). This variant is not present in population databases (gnomAD no frequency). This variant has not been reported in the literature in individuals affected with RAP1B-related conditions. ClinVar contains an entry for this variant (Variation ID: 2019742). An algorithm developed to predict the effect of missense changes on protein structure and function (PolyPhen-2) suggests that this variant is likely to be disruptive. In summary, the available evidence is currently insufficient to determine the role of this variant in disease. Therefore, it has been classified as a Variant of Uncertain Significance.

NM_001010942.3(RAP1B):c.278T>C (p.Leu93Ser)

Gene: RAP1B (RAP1B, member of RAS oncogene family; plus strand). Cytogenetic location: 12q15.
Variant type: single nucleotide variant.
Coding change: c.278T>C on transcript NM_001010942.3 (MANE Select); coding-DNA position 278, T replaced by C.
Protein change: p.Leu93Ser; replaces leucine 93 with serine.
Molecular consequence: missense variant. On other transcripts: intron variant (1).
Genome position (GRCh38, 1-based): chr12:68,654,206, T>C. VCF-style: chr12-68654206-T-C. GRCh37 (hg19) VCF-style: chr12-69047986-T-C.
Other names: c.152T>C, p.Leu51Ser (NM_001251917.2, NM_001251918.2); c.221T>C, p.Leu74Ser (NM_001251921.2); c.278T>C, p.Leu93Ser (NM_015646.6); c.184-2100T>C (NM_001251922.2); short protein forms L93S, L51S, L74S.
Identifiers: ClinVar variation 2019742 (VCV002019742.4), dbSNP rs2499150208, ClinGen allele CA385689110.